The following is an entry in ClinVar:

ClinVar aggregate classification (germline): Uncertain significance (1 of 4 stars; one submission).

Submission:

Labcorp Genetics (formerly Invitae), Labcorp
Classification: Uncertain significance. Last evaluated: 2023-11-27. Review status: criteria provided, single submitter. Criteria: Invitae Variant Classification Sherloc (09022015). Collection method: clinical testing. Allele origin: germline.
Comment: This sequence change replaces valine, which is neutral and non-polar, with leucine, which is neutral and non-polar, at codon 2301 of the PCLO protein (p.Val2301Leu). This variant is not present in population databases (gnomAD no frequency). This variant has not been reported in the literature in individuals affected with PCLO-related conditions. ClinVar contains an entry for this variant (Variation ID: 1377784). Algorithms developed to predict the effect of missense changes on protein structure and function output the following: SIFT: "Not Available"; PolyPhen-2: "Not Available"; Align-GVGD: "Not Available". The leucine amino acid residue is found in multiple mammalian species, which suggests that this missense change does not adversely affect protein function. In summary, the available evidence is currently insufficient to determine the role of this variant in disease. Therefore, it has been classified as a Variant of Uncertain Significance.

NM_033026.6(PCLO):c.6901G>C (p.Val2301Leu)

Gene: PCLO (piccolo presynaptic cytomatrix protein; minus strand). Cytogenetic location: 7q21.11.
Variant type: single nucleotide variant.
Coding change: c.6901G>C on transcript NM_033026.6 (MANE Select); coding-DNA position 6901, G replaced by C.
Protein change: p.Val2301Leu; replaces valine 2301 with leucine.
Molecular consequence: missense variant.
Genome position (GRCh38, 1-based): chr7:82,954,052, C>G on the plus strand (G>C on the coding strand, the complement: PCLO is on the minus strand). VCF-style: chr7-82954052-C-G. GRCh37 (hg19) VCF-style: chr7-82583368-C-G.
Other names: c.6901G>C, p.Val2301Leu (NM_014510.3); short protein forms V2301L.
Identifiers: ClinVar variation 1377784 (VCV001377784.6), dbSNP rs2116444185, ClinGen allele CA367918116.